The following is an entry in ClinVar:

NM_006231.4(POLE):c.3731A>G (p.Asp1244Gly)

Gene: POLE (DNA polymerase epsilon, catalytic subunit; minus strand). Cytogenetic location: 12q24.33.
Variant type: single nucleotide variant.
Coding change: c.3731A>G on transcript NM_006231.4 (MANE Select); coding-DNA position 3731, A replaced by G.
Protein change: p.Asp1244Gly; replaces aspartic acid 1244 with glycine.
Molecular consequence: missense variant.
Genome position (GRCh38, 1-based): chr12:132,649,741, T>C on the plus strand (A>G on the coding strand, the complement: POLE is on the minus strand). VCF-style: chr12-132649741-T-C. GRCh37 (hg19) VCF-style: chr12-133226327-T-C.
Other names: short protein forms D1244G.
Identifiers: ClinVar variation 3665841 (VCV003665841.2).

ClinVar aggregate classification (germline): Uncertain significance (1 of 4 stars; one submission).

Submission:

Labcorp Genetics (formerly Invitae), Labcorp
Classification: Uncertain significance. Last evaluated: 2024-12-26. Review status: criteria provided, single submitter. Criteria: Invitae Variant Classification Sherloc (09022015). Collection method: clinical testing. Allele origin: germline.
Comment: This sequence change replaces aspartic acid, which is acidic and polar, with glycine, which is neutral and non-polar, at codon 1244 of the POLE protein (p.Asp1244Gly). This variant is not present in population databases (gnomAD no frequency). This variant has not been reported in the literature in individuals affected with POLE-related conditions. Invitae Evidence Modeling of protein sequence and biophysical properties (such as structural, functional, and spatial information, amino acid conservation, physicochemical variation, residue mobility, and thermodynamic stability) indicates that this missense variant is not expected to disrupt POLE protein function with a negative predictive value of 80%. In summary, the available evidence is currently insufficient to determine the role of this variant in disease. Therefore, it has been classified as a Variant of Uncertain Significance.